The following is an entry in ClinVar:

NM_031220.4(PITPNM3):c.503A>G (p.His168Arg)

Gene: PITPNM3 (PITPNM family member 3; minus strand). Cytogenetic location: 17p13.2.
Variant type: single nucleotide variant.
Coding change: c.503A>G on transcript NM_031220.4 (MANE Select); coding-DNA position 503, A replaced by G.
Protein change: p.His168Arg; replaces histidine 168 with arginine.
Molecular consequence: missense variant.
Genome position (GRCh38, 1-based): chr17:6,483,601, T>C on the plus strand (A>G on the coding strand, the complement: PITPNM3 is on the minus strand). VCF-style: chr17-6483601-T-C. GRCh37 (hg19) VCF-style: chr17-6386921-T-C.
Other names: c.395A>G, p.His132Arg (NM_001165966.2); short protein forms H132R, H168R.
Identifiers: ClinVar variation 963262 (VCV000963262.11), dbSNP rs748255179, ClinGen allele CA8329811.

ClinVar aggregate classification (germline): Uncertain significance. Review status: criteria provided, multiple submitters, no conflicts (2 of 4 stars). 3 submissions from 3 submitters: Uncertain significance (3). Last evaluated 2025-03-27.

Allele frequency attached by ClinVar (database versions not stated): gnomAD exomes 0.00001 and 0.00002; TOPMed 0.00003; gnomAD 0.00001; ExAC 0.00001.
gnomAD v4.1: 38 of 1,613,712 alleles (0.0024%); highest among the groups gnomAD compares: Non-Finnish European, 0.0029%; no homozygotes.

Submissions (3):

Labcorp Genetics (formerly Invitae), Labcorp
Classification: Uncertain significance. Last evaluated: 2025-03-27. Review status: criteria provided, single submitter. Criteria: Invitae Variant Classification Sherloc (09022015). Collection method: clinical testing. Allele origin: germline.
Comment: This sequence change replaces histidine, which is basic and polar, with arginine, which is basic and polar, at codon 168 of the PITPNM3 protein (p.His168Arg). This variant is present in population databases (rs748255179, gnomAD 0.003%). This missense change has been observed in individual(s) with an inherited retinal disorder (PMID: 32483926). ClinVar contains an entry for this variant (Variation ID: 963262). Invitae Evidence Modeling of protein sequence and biophysical properties (such as structural, functional, and spatial information, amino acid conservation, physicochemical variation, residue mobility, and thermodynamic stability) has been performed for this missense variant. However, the output from this modeling did not meet the statistical confidence thresholds required to predict the impact of this variant on PITPNM3 protein function. In summary, the available evidence is currently insufficient to determine the role of this variant in disease. Therefore, it has been classified as a Variant of Uncertain Significance.

Dasa
Classification: Uncertain significance. Last evaluated: 2025-02-03. Review status: criteria provided, single submitter. Criteria: DASA Assertion Criteria. Collection method: clinical testing. Allele origin: germline.
Comment: NM_031220.4(PITPNM3):c.503A>G (p.His168Arg) is a missense variant that results in the substitution of histidine with arginine. This variant is rare in population databases. The currently available literature and clinical evidence are not sufficient to establish a definitive association between this variant and the reported condition. Therefore, this variant is classified as a variant of uncertain significance.

Ambry Genetics
Classification: Uncertain significance. Last evaluated: 2024-06-16. Review status: criteria provided, single submitter. Criteria: Ambry Variant Classification Scheme 2023. Collection method: clinical testing. Allele origin: germline.

Literature cited by the submitters: PubMed 32483926 (cited by Labcorp Genetics (formerly Invitae), Labcorp).